The following is an entry in ClinVar:

NM_001297.5(CNGB1):c.1224_1235del (p.Val409_Glu412del)

Gene: CNGB1 (cyclic nucleotide gated channel subunit beta 1; minus strand). Cytogenetic location: 16q21.
Variant type: Deletion.
Coding change: c.1224_1235del on transcript NM_001297.5 (MANE Select); coding-DNA positions 1224 to 1235, 12 bases deleted (AGTTGGGGAGGA).
Protein change: p.Val409_Glu412del.
Molecular consequence: inframe deletion.
Genome position (GRCh38, 1-based): chr16:57,939,567-57,939,578, TCCTCCCCAACT deleted on the plus strand (AGTTGGGGAGGA on the coding strand, the reverse complement: CNGB1 is on the minus strand); deleting any 12 consecutive bases within chr16:57,939,567-57,939,585 gives the same sequence; the c. name uses the placement nearest the transcript's 3' end. VCF-style (leftmost placement, unchanged base first): chr16-57939566-CTCCTCCCCAACT-C. GRCh37 (hg19) VCF-style: chr16-57973470-CTCCTCCCCAACT-C.
Other names: c.1206_1217del, p.Val403_Glu406del (NM_001286130.2).
Identifiers: ClinVar variation 1346383 (VCV001346383.7), dbSNP rs2149376118, ClinGen allele CA2573152495.

ClinVar aggregate classification (germline): Uncertain significance. Review status: criteria provided, multiple submitters, no conflicts (2 of 4 stars). 2 submissions from 2 submitters: Uncertain significance (2). Last evaluated 2022-06-28.

Submissions (2):

Labcorp Genetics (formerly Invitae), Labcorp
Classification: Uncertain significance. Last evaluated: 2022-06-28. Review status: criteria provided, single submitter. Criteria: Invitae Variant Classification Sherloc (09022015). Collection method: clinical testing. Allele origin: germline.
Comment: Experimental studies and prediction algorithms are not available or were not evaluated, and the functional significance of this variant is currently unknown. In summary, the available evidence is currently insufficient to determine the role of this variant in disease. Therefore, it has been classified as a Variant of Uncertain Significance. This variant has not been reported in the literature in individuals affected with CNGB1-related conditions. This variant is not present in population databases (gnomAD no frequency). This variant, c.1224_1235del, results in the deletion of 4 amino acid(s) of the CNGB1 protein (p.Val409_Glu412del), but otherwise preserves the integrity of the reading frame.

Blueprint Genetics
Classification: Uncertain significance. Last evaluated: 2019-07-04. Review status: criteria provided, single submitter. Criteria: ACMG Guidelines, 2015. Collection method: clinical testing. Allele origin: germline.